The following is an entry in ClinVar:

ClinVar aggregate classification (germline): Uncertain significance (1 of 4 stars; one submission).

Submission:

Labcorp Genetics (formerly Invitae), Labcorp
Classification: Uncertain significance. Last evaluated: 2022-08-22. Review status: criteria provided, single submitter. Criteria: Invitae Variant Classification Sherloc (09022015). Collection method: clinical testing. Allele origin: germline.
Comment: This sequence change replaces arginine, which is basic and polar, with lysine, which is basic and polar, at codon 1437 of the CDH23 protein (p.Arg1437Lys). Information on the frequency of this variant in the gnomAD database is not available, as this variant may be reported differently in the database. This variant has not been reported in the literature in individuals affected with CDH23-related conditions. Experimental studies and prediction algorithms are not available or were not evaluated, and the functional significance of this variant is currently unknown. Algorithms developed to predict the effect of sequence changes on RNA splicing suggest that this variant may create or strengthen a splice site. In summary, the available evidence is currently insufficient to determine the role of this variant in disease. Therefore, it has been classified as a Variant of Uncertain Significance.

NM_022124.6(CDH23):c.4309_4310delinsAA (p.Arg1437Lys)

Gene: CDH23 (cadherin related 23; plus strand). Cytogenetic location: 10q22.1.
Variant type: Indel.
Coding change: c.4309_4310delinsAA on transcript NM_022124.6 (MANE Select); coding-DNA positions 4309 to 4310, CG replaced by AA.
Protein change: p.Arg1437Lys; replaces arginine 1437 with lysine.
Molecular consequence: missense variant.
Genome position (GRCh38, 1-based): chr10:71,738,597-71,738,598, CG replaced by AA. VCF-style: chr10-71738597-CG-AA. GRCh37 (hg19) VCF-style: chr10-73498354-CG-AA.
Other names: short protein forms R1437K.
Identifiers: ClinVar variation 1981052 (VCV001981052.1), dbSNP rs2494209970, ClinGen allele CA2580081828.
Genomic context (GRCh38, chr10:71,738,597, plus strand): 5'-CGGTTTGACTTCACCTCCGACTCGGCGGTCAGCATACCCGAGGACTGCCCTGTGGGCCAG[CG>AA]AGTGGCTACTGTCAAGGCCTGGGACCCTGATGCTGGCAGCAATGGGCAGGTGGGCCACCG-3'
Protein context (NP_071407.4, residues 1427-1447): SIPEDCPVGQ[Arg1437Lys]VATVKAWDPD